The following is an entry in ClinVar:

NM_004444.5(EPHB4):c.2864C>T (p.Ala955Val)

Gene: EPHB4 (EPH receptor B4; minus strand). Cytogenetic location: 7q22.1.
Variant type: single nucleotide variant.
Coding change: c.2864C>T on transcript NM_004444.5 (MANE Select); coding-DNA position 2864, C replaced by T.
Protein change: p.Ala955Val; replaces alanine 955 with valine.
Molecular consequence: missense variant.
Genome position (GRCh38, 1-based): chr7:100,803,561, G>A on the plus strand (C>T on the coding strand, the complement: EPHB4 is on the minus strand). VCF-style: chr7-100803561-G-A. GRCh37 (hg19) VCF-style: chr7-100401183-G-A.
Other names: c.2864C>T (NM_004444.4); short protein forms A955V.
Identifiers: ClinVar variation 2701266 (VCV002701266.27), dbSNP rs139196073, ClinGen allele CA4392486.

ClinVar aggregate classification (germline): Benign/Likely benign. Review status: criteria provided, multiple submitters, no conflicts (2 of 4 stars). 4 submissions from 4 submitters: Benign (2); Likely benign (2). Last evaluated 2025-12-13.

Conditions:
EPHB4-related disorder. Also called: EPHB4-related condition; EPHB4-related disorders.
Cardiovascular phenotype. Identifiers: MedGen CN230736.

Allele frequency attached by ClinVar (database versions not stated): ExAC 0.00050; TOPMed 0.00085; gnomAD 0.00087; ESP Exome Variant Server 0.00123; 1000 Genomes Project 0.00160; 1000 Genomes Project 30x 0.00187.
gnomAD v4.1: 242 of 1,605,204 alleles (0.015%); highest among the groups gnomAD compares: African/African-American, 0.29%; no homozygotes.

Submissions (4):

Labcorp Genetics (formerly Invitae), Labcorp
Classification: Benign. Last evaluated: 2025-12-13. Review status: criteria provided, single submitter. Criteria: Invitae Variant Classification Sherloc (09022015). Collection method: clinical testing. Allele origin: germline.

PreventionGenetics, part of Exact Sciences
Classification: Likely benign for EPHB4-related condition. Last evaluated: 2025-11-18. Review status: criteria provided, single submitter. Criteria: ACMG Guidelines, 2015. Collection method: clinical testing. Allele origin: germline.
Comment: This variant is classified as likely benign based on ACMG/AMP sequence variant interpretation guidelines (Richards et al. 2015 PMID: 25741868, with internal and published modifications).

Ambry Genetics
Classification: Benign for Cardiovascular phenotype. Last evaluated: 2025-02-21. Review status: criteria provided, single submitter. Criteria: Ambry Variant Classification Scheme 2023. Collection method: clinical testing. Allele origin: germline.

CeGaT Center for Human Genetics Tuebingen
Classification: Likely benign. Last evaluated: 2024-01-01. Review status: criteria provided, single submitter. Criteria: CeGaT Center For Human Genetics Tuebingen Variant Classification Criteria Version 2. Collection method: clinical testing. Allele origin: germline. Affected: yes. Observed: 1 variant allele.
Comment: EPHB4: BS1